The following is an entry in ClinVar:

NM_000038.6(APC):c.4750C>G (p.Pro1584Ala)

Gene: APC (APC regulator of Wnt signaling pathway; plus strand). Cytogenetic location: 5q22.2.
Variant type: single nucleotide variant.
Coding change: c.4750C>G on transcript NM_000038.6 (MANE Select); coding-DNA position 4750, C replaced by G.
Protein change: p.Pro1584Ala; replaces proline 1584 with alanine.
Molecular consequence: missense variant.
Genome position (GRCh38, 1-based): chr5:112,840,344, C>G. VCF-style: chr5-112840344-C-G. GRCh37 (hg19) VCF-style: chr5-112176041-C-G.
Other names: c.4750C>G (NM_000038.5); c.4750C>G, p.Pro1584Ala (NM_001127510.3, NM_001354895.2); c.4696C>G, p.Pro1566Ala (NM_001127511.3); c.4804C>G, p.Pro1602Ala (NM_001354896.2); c.4780C>G, p.Pro1594Ala (NM_001354897.2); c.4675C>G, p.Pro1559Ala (NM_001354898.2); c.4666C>G, p.Pro1556Ala (NM_001354899.2); c.4627C>G, p.Pro1543Ala (NM_001354900.2); and 6 more; short protein forms P1301A, P1424A, P1458A, P1483A, P1493A, P1525A, P1543A, P1556A.
Identifiers: ClinVar variation 1014518 (VCV001014518.11), dbSNP rs1765758374, ClinGen allele CA16031748.

ClinVar aggregate classification (germline): Uncertain significance. Review status: criteria provided, multiple submitters, no conflicts (2 of 4 stars). 2 submissions from 2 submitters: Uncertain significance (2). Last evaluated 2024-05-04.

Conditions:
Hereditary cancer-predisposing syndrome. Also called: Hereditary Cancer Syndrome; Tumor predisposition; Neoplastic Syndromes, Hereditary; Hereditary neoplastic syndrome. Identifiers: Orphanet 140162, MedGen C0027672, MeSH D009386, MONDO:0015356.
Familial adenomatous polyposis 1 (FAP1). Also called: FAMILIAL ADENOMATOUS POLYPOSIS 1, ATTENUATED; POLYPOSIS, ADENOMATOUS INTESTINAL. Identifiers: MedGen C2713442, MONDO:0021056, OMIM 175100. Disease mechanism: loss of function.

Submissions (2):

Ambry Genetics
Classification: Uncertain significance for Hereditary cancer-predisposing syndrome. Last evaluated: 2024-05-04. Review status: criteria provided, single submitter. Criteria: Ambry Variant Classification Scheme 2023. Collection method: clinical testing. Allele origin: germline.
Comment: The p.P1584A variant (also known as c.4750C>G), located in coding exon 15 of the APC gene, results from a C to G substitution at nucleotide position 4750. The proline at codon 1584 is replaced by alanine, an amino acid with highly similar properties. This amino acid position is conserved. In addition, in silico predictors for this gene do not accurately predict pathogenicity. Based on the available evidence, the clinical significance of this variant remains unclear.

Labcorp Genetics (formerly Invitae), Labcorp
Classification: Uncertain significance for Familial adenomatous polyposis 1. Last evaluated: 2020-09-26. Review status: criteria provided, single submitter. Criteria: Invitae Variant Classification Sherloc (09022015). Collection method: clinical testing. Allele origin: germline.
Comment: This sequence change replaces proline with alanine at codon 1584 of the APC protein (p.Pro1584Ala). The proline residue is highly conserved and there is a small physicochemical difference between proline and alanine. This variant is not present in population databases (ExAC no frequency). This variant has not been reported in the literature in individuals with APC-related conditions. Algorithms developed to predict the effect of missense changes on protein structure and function (SIFT, PolyPhen-2, Align-GVGD) all suggest that this variant is likely to be disruptive, but these predictions have not been confirmed by published functional studies and their clinical significance is uncertain. In summary, the available evidence is currently insufficient to determine the role of this variant in disease. Therefore, it has been classified as a Variant of Uncertain Significance.